The following is an entry in ClinVar:

ClinVar aggregate classification (germline): Uncertain significance (1 of 4 stars; one submission).

Conditions:
Lafora disease. Also called: Epilepsy progressive myoclonic 2. Identifiers: Orphanet 501, MedGen C0751783, MONDO:0009697.

gnomAD v4.1: 1 of 1,614,070 alleles (0.000062%); highest among the groups gnomAD compares: Non-Finnish European, 0.000085%; no homozygotes.

Submission:

Broad Center for Mendelian Genomics, Broad Institute of MIT and Harvard
Classification: Uncertain significance for Lafora disease. Last evaluated: 2025-01-03. Review status: criteria provided, single submitter. Criteria: ACMG Guidelines, 2015. Collection method: curation. Allele origin: germline. Inheritance: Autosomal recessive inheritance.
Comment: The p.Phe321Ser variant in EPM2A has been reported in 1 individual with Lafora disease (PMID: 25544560), and has been identified in 0.001% (1/68028) of European (non-Finnish) chromosomes by the Genome Aggregation Database (gnomAD; dbSNP ID: rs772620616). Although this variant has been seen in the general population in a heterozygous state, its frequency is low enough to be consistent with a recessive carrier frequency. Computational prediction tools and conservation analyses suggest that this variant may impact the protein, though this information is not predictive enough to determine pathogenicity. In vitro functional studies provide some evidence that the p.Phe321Ser variant may slightly impact protein function (PMID: 25544560). However, these types of assays may not accurately represent biological function. The p.Phe321Ser variant is located in a region of EPM2A that is essential to protein folding and stability, suggesting that this variant is in a functional domain and slightly supports pathogenicity (PMID: 25544560). In summary, while there is some suspicion for a pathogenic role, the clinical significance of this variant is uncertain. ACMG/AMP Criteria applied: PP3_moderate, PM1_supporting, PM2_supporting, PS3_supporting (Richards 2015).

Literature cited by the submitters: PubMed 25544560.

NM_005670.4(EPM2A):c.962T>C (p.Phe321Ser)

Gene: EPM2A (EPM2A glucan phosphatase, laforin; minus strand). Cytogenetic location: 6q24.3.
Variant type: single nucleotide variant.
Coding change: c.962T>C on transcript NM_005670.4 (MANE Select); coding-DNA position 962, T replaced by C.
Protein change: p.Phe321Ser; replaces phenylalanine 321 with serine.
Molecular consequence: missense variant. On other transcripts: 3 prime UTR variant (1), non-coding transcript variant (1), intron variant (1).
Genome position (GRCh38, 1-based): chr6:145,627,450, A>G on the plus strand (T>C on the coding strand, the complement: EPM2A is on the minus strand). VCF-style: chr6-145627450-A-G. GRCh37 (hg19) VCF-style: chr6-145948586-A-G.
Other names: NR_153398.2:n.535T>C; c.*45T>C (NM_001360057.2); c.548T>C, p.Phe183Ser (NM_001360064.2, NM_001360071.2, NM_001368131.1); c.500T>C, p.Phe167Ser (NM_001368129.2, NM_001368132.1); c.924+38T>C (NM_001018041.2); short protein forms F167S, F183S, F321S.
Identifiers: ClinVar variation 3776824 (VCV003776824.1).